The following is an entry in ClinVar:

NM_001081550.2(THOC2):c.2818G>A (p.Glu940Lys)

Gene: THOC2 (THO complex subunit 2; minus strand). Cytogenetic location: Xq25.
Variant type: single nucleotide variant.
Coding change: c.2818G>A on transcript NM_001081550.2 (MANE Select); coding-DNA position 2818, G replaced by A.
Protein change: p.Glu940Lys; replaces glutamic acid 940 with lysine.
Molecular consequence: missense variant.
Genome position (GRCh38, 1-based): chrX:123,626,602, C>T on the plus strand (G>A on the coding strand, the complement: THOC2 is on the minus strand). VCF-style: chrX-123626602-C-T. GRCh37 (hg19) VCF-style: chrX-122760453-C-T.
Other names: short protein forms E940K.
Identifiers: ClinVar variation 2314312 (VCV002314312.2), dbSNP rs2521055640, ClinGen allele CA414266443.

ClinVar aggregate classification (germline): Likely pathogenic (1 of 4 stars; one submission).

Conditions:
Inborn genetic diseases. Identifiers: MedGen C0950123, MeSH D030342.

Submission:

Ambry Genetics
Classification: Likely pathogenic for Inborn genetic diseases. Last evaluated: 2022-11-10. Review status: criteria provided, single submitter. Criteria: Ambry Variant Classification Scheme 2023. Collection method: clinical testing. Allele origin: germline.
Comment: The c.2818G>A (p.E940K) alteration is located in exon 24 (coding exon 24) of the THOC2 gene. This alteration results from a G to A substitution at nucleotide position 2818, causing the glutamic acid (E) at amino acid position 940 to be replaced by a lysine (K). This variant was not reported in population-based cohorts in the Genome Aggregation Database (gnomAD). This amino acid position is highly conserved in available vertebrate species. This missense alteration is located in a region that has a low rate of benign missense variation (Lek, 2016; Firth, 2009). This alteration is predicted to be tolerated by in silico analysis. Based on the available evidence, this alteration is classified as likely pathogenic.